The following is an entry in ClinVar:

ClinVar aggregate classification (germline): Likely benign. Review status: criteria provided, multiple submitters, no conflicts (2 of 4 stars). 2 submissions from 2 submitters: Likely benign (2). Last evaluated 2026-04-01.

Allele frequency attached by ClinVar (database versions not stated): ExAC 0.00004; gnomAD 0.00005; TOPMed 0.00005; ESP Exome Variant Server 0.00015.
gnomAD v4.1: 72 of 1,614,094 alleles (0.0045%); highest among the groups gnomAD compares: Non-Finnish European, 0.0059%; no homozygotes.

Submissions (2):

CeGaT Center for Human Genetics Tuebingen
Classification: Likely benign. Last evaluated: 2026-04-01. Review status: criteria provided, single submitter. Criteria: CeGaT Center For Human Genetics Tuebingen Variant Classification Criteria Version 2. Collection method: clinical testing. Allele origin: germline. Affected: yes. Observed: 1 variant allele.
Comment: DGKE: BP4, BP7

Labcorp Genetics (formerly Invitae), Labcorp
Classification: Likely benign. Last evaluated: 2024-01-06. Review status: criteria provided, single submitter. Criteria: Invitae Variant Classification Sherloc (09022015). Collection method: clinical testing. Allele origin: germline.

NM_003647.3(DGKE):c.978T>C (p.Tyr326=)

Gene: DGKE (diacylglycerol kinase epsilon; plus strand). Cytogenetic location: 17q22.
Variant type: single nucleotide variant.
Coding change: c.978T>C on transcript NM_003647.3 (MANE Select); coding-DNA position 978, T replaced by C.
Protein change: p.Tyr326=; no amino-acid change (tyrosine 326 retained).
Molecular consequence: synonymous variant.
Genome position (GRCh38, 1-based): chr17:56,848,785, T>C. VCF-style: chr17-56848785-T-C. GRCh37 (hg19) VCF-style: chr17-54926146-T-C.
Identifiers: ClinVar variation 2419706 (VCV002419706.9), dbSNP rs374898326, ClinGen allele CA8663659.